The following is an entry in ClinVar:

ClinVar aggregate classification (germline): Uncertain significance. Review status: criteria provided, multiple submitters, no conflicts (2 of 4 stars). 3 submissions from 3 submitters: Uncertain significance (3). Last evaluated 2025-06-13.

Conditions:
Long QT syndrome (LQTS). Identifiers: MedGen C0023976, MeSH D008133, MONDO:0002442. Disease mechanism: loss of function. Inheritance: Various modes of inheritance.

Allele frequency attached by ClinVar (database versions not stated): gnomAD exomes 0.00001 and 0.00002; ExAC 0.00002.
gnomAD v4.1: 20 of 1,613,370 alleles (0.0012%); highest among the groups gnomAD compares: Non-Finnish European, 0.0016%; no homozygotes.

Submissions (3):

Mayo Clinic Laboratories, Mayo Clinic
Classification: Uncertain significance. Last evaluated: 2025-06-13. Review status: criteria provided, single submitter. Criteria: ACMG Guidelines, 2015. Collection method: clinical testing. Allele origin: germline. Observed: 1 variant allele.
Comment: PP3

Labcorp Genetics (formerly Invitae), Labcorp
Classification: Uncertain significance for Long QT syndrome. Last evaluated: 2021-06-13. Review status: criteria provided, single submitter. Criteria: Invitae Variant Classification Sherloc (09022015). Collection method: clinical testing. Allele origin: germline.
Comment: This sequence change replaces alanine with serine at codon 3628 of the ANK2 protein (p.Ala3628Ser). The alanine residue is highly conserved and there is a moderate physicochemical difference between alanine and serine. This variant is present in population databases (rs765610365, ExAC 0.005%). This variant has not been reported in the literature in individuals with ANK2-related conditions. ClinVar contains an entry for this variant (Variation ID: 618527). Algorithms developed to predict the effect of missense changes on protein structure and function are either unavailable or do not agree on the potential impact of this missense change (SIFT: "Tolerated"; PolyPhen-2: "Probably Damaging"; Align-GVGD: "Class C0"). In summary, the available evidence is currently insufficient to determine the role of this variant in disease. Therefore, it has been classified as a Variant of Uncertain Significance.

ARUP Laboratories, Molecular Genetics and Genomics, ARUP Laboratories
Classification: Uncertain significance. Last evaluated: 2018-02-09. Review status: criteria provided, single submitter. Criteria: ARUP Molecular Germline Variant Investigation Process. Collection method: clinical testing. Allele origin: germline.
Comment: The p.Ala3628Ser variant (rs765610365) has not been reported in the medical literature, gene specific variation databases, nor has it been previously identified by our laboratory. This variant is listed in the Genome Aggregation Database (gnomAD) with a frequency of 0.004 percent in the European Non-Finnish population (identified on 4 out of 111,582 chromosomes). The alanine at position 362 is highly conserved up to Tetraodon considering 12 species (Alamut v2.10) and computational analyses of the effects of the p.Ala3628Ser variant on protein structure and function provide conflicting results (SIFT: damaging, MutationTaster: disease causing, PolyPhen-2: benign). Altogether, there is not enough evidence to classify the p.Ala3628Ser variant with certainty.

NM_001148.6(ANK2):c.10882G>T (p.Ala3628Ser)

Gene: ANK2 (ankyrin 2; plus strand). Cytogenetic location: 4q26.
Variant type: single nucleotide variant.
Coding change: c.10882G>T on transcript NM_001148.6 (MANE Select); coding-DNA position 10882, G replaced by T.
Protein change: p.Ala3628Ser; replaces alanine 3628 with serine.
Molecular consequence: missense variant.
Genome position (GRCh38, 1-based): chr4:113,363,463, G>T. VCF-style: chr4-113363463-G-T. GRCh37 (hg19) VCF-style: chr4-114284619-G-T.
Other names: p.Ala1543Ser; c.4600G>T, p.Ala1534Ser (NM_001127493.3); c.4639G>T, p.Ala1547Ser (NM_001354225.2); c.4528G>T, p.Ala1510Ser (NM_001354228.2, NM_001354258.2); c.4606G>T, p.Ala1536Ser (NM_001354230.2); c.4669G>T, p.Ala1557Ser (NM_001354231.2, NM_001354242.2); c.4663G>T, p.Ala1555Ser (NM_001354232.2); c.4624G>T, p.Ala1542Ser (NM_001354235.2, NM_001354246.2, NM_001354265.2); and 37 more; short protein forms A1534S, A3628S, A1465S, A1489S, A1509S, A1558S, A1472S, A1477S.
Identifiers: ClinVar variation 618527 (VCV000618527.17), dbSNP rs765610365, ClinGen allele CA3052143.